The following is an entry in ClinVar:

NM_001378452.1(ITPR1):c.5251C>T (p.Arg1751Cys)

Gene: ITPR1 (inositol 1,4,5-trisphosphate receptor type 1; plus strand). Cytogenetic location: 3p26.1.
Variant type: single nucleotide variant.
Coding change: c.5251C>T on transcript NM_001378452.1 (MANE Select); coding-DNA position 5251, C replaced by T.
Protein change: p.Arg1751Cys; replaces arginine 1751 with cysteine.
Molecular consequence: missense variant.
Genome position (GRCh38, 1-based): chr3:4,733,118, C>T. VCF-style: chr3-4733118-C-T. GRCh37 (hg19) VCF-style: chr3-4774802-C-T.
Other names: c.5107C>T, p.Arg1703Cys (NM_001099952.4); c.5206C>T, p.Arg1736Cys (NM_001168272.2); c.5062C>T, p.Arg1688Cys (NM_002222.7); short protein forms R1688C, R1703C, R1736C, R1751C.
Identifiers: ClinVar variation 3634921 (VCV003634921.2).

ClinVar aggregate classification (germline): Uncertain significance (1 of 4 stars; one submission).

gnomAD v4.1: 4 of 1,613,592 alleles (0.00025%); highest among the groups gnomAD compares: African/African-American, 0.0013%; no homozygotes.

Submission:

Labcorp Genetics (formerly Invitae), Labcorp
Classification: Uncertain significance. Last evaluated: 2024-05-06. Review status: criteria provided, single submitter. Criteria: Invitae Variant Classification Sherloc (09022015). Collection method: clinical testing. Allele origin: germline.
Comment: This sequence change replaces arginine, which is basic and polar, with cysteine, which is neutral and slightly polar, at codon 1688 of the ITPR1 protein (p.Arg1688Cys). This variant is present in population databases (rs543630270, gnomAD 0.007%). This variant has not been reported in the literature in individuals affected with ITPR1-related conditions. Advanced modeling of protein sequence and biophysical properties (such as structural, functional, and spatial information, amino acid conservation, physicochemical variation, residue mobility, and thermodynamic stability) performed at Invitae indicates that this missense variant is expected to disrupt ITPR1 protein function with a positive predictive value of 80%. In summary, the available evidence is currently insufficient to determine the role of this variant in disease. Therefore, it has been classified as a Variant of Uncertain Significance.